The following is an entry in ClinVar:

ClinVar aggregate classification (germline): Uncertain significance. Review status: criteria provided, multiple submitters, no conflicts (2 of 4 stars). 2 submissions from 2 submitters: Uncertain significance (2). Last evaluated 2024-11-23.

Conditions:
Inborn genetic diseases. Identifiers: MedGen C0950123, MeSH D030342.

Allele frequency attached by ClinVar (database versions not stated): gnomAD exomes 0.00001; ExAC 0.00002; gnomAD 0.00006; ESP Exome Variant Server 0.00008; TOPMed 0.00010.
gnomAD v4.1: 21 of 1,529,442 alleles (0.0014%); highest among the groups gnomAD compares: African/African-American, 0.028%; no homozygotes.

Submissions (2):

Ambry Genetics
Classification: Uncertain significance for Inborn genetic diseases. Last evaluated: 2024-11-23. Review status: criteria provided, single submitter. Criteria: Ambry Variant Classification Scheme 2023. Collection method: clinical testing. Allele origin: germline.
Comment: The p.K662R variant (also known as c.1985A>G), located in coding exon 14 of the ERCC6L2 gene, results from an A to G substitution at nucleotide position 1985. The lysine at codon 662 is replaced by arginine, an amino acid with highly similar properties. This amino acid position is conserved. In addition, this alteration is predicted to be tolerated by in silico analysis. Based on the available evidence, the clinical significance of this variant remains unclear.

Labcorp Genetics (formerly Invitae), Labcorp
Classification: Uncertain significance. Last evaluated: 2022-09-23. Review status: criteria provided, single submitter. Criteria: Invitae Variant Classification Sherloc (09022015). Collection method: clinical testing. Allele origin: germline.
Comment: This sequence change replaces lysine, which is basic and polar, with arginine, which is basic and polar, at codon 673 of the ERCC6L2 protein (p.Lys673Arg). This variant is present in population databases (rs371620653, gnomAD 0.02%). This variant has not been reported in the literature in individuals affected with ERCC6L2-related conditions. Algorithms developed to predict the effect of missense changes on protein structure and function are either unavailable or do not agree on the potential impact of this missense change (SIFT: "Tolerated"; PolyPhen-2: "Not Available"; Align-GVGD: "Class C0"). In summary, the available evidence is currently insufficient to determine the role of this variant in disease. Therefore, it has been classified as a Variant of Uncertain Significance.

NM_020207.7(ERCC6L2):c.1985A>G (p.Lys662Arg)

Gene: ERCC6L2 (ERCC excision repair 6 like 2; plus strand). Cytogenetic location: 9q22.32.
Variant type: single nucleotide variant.
Coding change: c.1985A>G on transcript NM_020207.7 (MANE Select); coding-DNA position 1985, A replaced by G.
Protein change: p.Lys662Arg; replaces lysine 662 with arginine.
Molecular consequence: missense variant. On other transcripts: non-coding transcript variant (1).
Genome position (GRCh38, 1-based): chr9:95,966,599, A>G. VCF-style: chr9-95966599-A-G. GRCh37 (hg19) VCF-style: chr9-98728881-A-G.
Other names: c.1985A>G, p.Lys662Arg (NM_001010895.4, NM_001375291.1, NM_001375292.1 and 2 more transcripts); short protein forms K662R.
Identifiers: ClinVar variation 2168609 (VCV002168609.2), dbSNP rs371620653, ClinGen allele CA5139777.